The following is an entry in ClinVar:

NM_005609.4(PYGM):c.61G>A (p.Gly21Ser)

Gene: PYGM (glycogen phosphorylase, muscle associated; minus strand). Cytogenetic location: 11q13.1.
Variant type: single nucleotide variant.
Coding change: c.61G>A on transcript NM_005609.4 (MANE Select); coding-DNA position 61, G replaced by A.
Protein change: p.Gly21Ser; replaces glycine 21 with serine.
Molecular consequence: missense variant.
Genome position (GRCh38, 1-based): chr11:64,759,838, C>T on the plus strand (G>A on the coding strand, the complement: PYGM is on the minus strand). VCF-style: chr11-64759838-C-T. GRCh37 (hg19) VCF-style: chr11-64527310-C-T.
Other names: p.Gly21Ser; c.61G>A, p.Gly21Ser (NM_001164716.1); short protein forms G21S.
Identifiers: ClinVar variation 421496 (VCV000421496.18), dbSNP rs145881639, ClinGen allele CA6080380.

ClinVar aggregate classification (germline): Uncertain significance. Review status: criteria provided, multiple submitters, no conflicts (2 of 4 stars). 8 submissions from 8 submitters: Uncertain significance (7). 1 of the submissions does not count toward it. Last evaluated 2025-03-17.

Conditions:
Glycogen storage disease, type V (GSD5). Also called: McArdle type glycogen storage disease; MCARDLE DISEASE; MUSCLE GLYCOGEN PHOSPHORYLASE DEFICIENCY; MYOPHOSPHORYLASE DEFICIENCY; PYGM DEFICIENCY. Identifiers: Orphanet 368, MedGen C0017924, MONDO:0009293, OMIM 232600.

Allele frequency attached by ClinVar (database versions not stated): gnomAD exomes 0.00037 and 0.00069; ExAC 0.00038; gnomAD 0.00038 and 0.00039; TOPMed 0.00043; ESP Exome Variant Server 0.00054.
gnomAD v4.1: 1,083 of 1,614,230 alleles (0.067%); highest among the groups gnomAD compares: Middle Eastern, 0.12%; no homozygotes.

Submissions (8):

Mayo Clinic Laboratories, Mayo Clinic
Classification: Uncertain significance. Last evaluated: 2025-03-17. Review status: criteria provided, single submitter. Criteria: ACMG Guidelines, 2015. Collection method: clinical testing. Allele origin: germline. Observed: 3 variant alleles.

ARUP Laboratories, Molecular Genetics and Genomics, ARUP Laboratories
Classification: Uncertain significance for Glycogen storage disease, type V. Last evaluated: 2025-02-10. Review status: criteria provided, single submitter. Criteria: ARUP Molecular Germline Variant Investigation Process 2024. Collection method: clinical testing. Allele origin: germline.
Comment: The PYGM c.61G>A; p.Gly21Ser variant (rs145881639, ClinVar Variation ID 421496) is reported in the literature in one individual affected with fatal congenital nonlysosomal cardiac glycogenesis; however, the patient harbored a pathogenic variant in another gene that explained the phenotype (Burwinkel 2005). This variant is found in the general population with an overall allele frequency of 0.035% (99/282864 alleles) in the Genome Aggregation Database (v2.1.1). Computational analyses are uncertain whether this variant is neutral or deleterious (REVEL: 0.576). Due to limited information, the clinical significance of this variant is uncertain at this time. References: Burwinkel B et al. Fatal congenital heart glycogenosis caused by a recurrent activating R531Q mutation in the gamma 2-subunit of AMP-activated protein kinase (PRKAG2), not by phosphorylase kinase deficiency. Am J Hum Genet. 2005 Jun;76(6):1034-49. PMID: 15877279.

Revvity Omics, Revvity
Classification: Uncertain significance for Glycogen storage disease, type V. Last evaluated: 2025-01-28. Review status: criteria provided, single submitter. Criteria: ACMG Guidelines, 2015. Collection method: clinical testing. Allele origin: germline.

Fulgent Genetics
Classification: Uncertain significance for Glycogen storage disease, type V. Last evaluated: 2024-05-20. Review status: criteria provided, single submitter. Criteria: ACMG Guidelines, 2015. Collection method: clinical testing. Allele origin: germline.

Labcorp Genetics (formerly Invitae), Labcorp
Classification: Uncertain significance for Glycogen storage disease, type V. Last evaluated: 2022-09-27. Review status: criteria provided, single submitter. Criteria: Invitae Variant Classification Sherloc (09022015). Collection method: clinical testing. Allele origin: germline.
Comment: This sequence change replaces glycine, which is neutral and non-polar, with serine, which is neutral and polar, at codon 21 of the PYGM protein (p.Gly21Ser). This variant is present in population databases (rs145881639, gnomAD 0.07%). This variant has not been reported in the literature in individuals affected with PYGM-related conditions. ClinVar contains an entry for this variant (Variation ID: 421496). Advanced modeling of protein sequence and biophysical properties (such as structural, functional, and spatial information, amino acid conservation, physicochemical variation, residue mobility, and thermodynamic stability) has been performed at Invitae for this missense variant, however the output from this modeling did not meet the statistical confidence thresholds required to predict the impact of this variant on PYGM protein function. In summary, the available evidence is currently insufficient to determine the role of this variant in disease. Therefore, it has been classified as a Variant of Uncertain Significance.

GeneDx
Classification: Uncertain significance. Last evaluated: 2020-08-17. Review status: criteria provided, single submitter. Criteria: GeneDx Variant Classification Process June 2021. Collection method: clinical testing. Allele origin: germline. Affected: yes.
Comment: Reported as a heterozygous variant in an individual with pleomorphic lobular carcinoma; however, a second variant in PYGM was not detected (Dieci et al., 2016); Reported as a heterozygous variant in an individual with fatal congenital nonlysosomal cardiac glycogenesis; however, the second variant in PGYM was a known benign polymorphism and the patient harbored a pathogenic variant in another gene that explained the phenotype (Burwinkel et al., 2005); This variant is associated with the following publications: (PMID: 26907767, 15877279)

Eurofins Ntd Llc (ga)
Classification: Uncertain significance. Last evaluated: 2016-11-16. Review status: criteria provided, single submitter. Criteria: EGL Classification Definitions 2015. Collection method: clinical testing. Allele origin: germline. Observed: 1 variant allele, 1 heterozygote.

Natera, Inc.
Classification: Uncertain significance for Glycogen storage disease V. Last evaluated: 2020-04-14. Review status: no assertion criteria provided. Collection method: clinical testing. Allele origin: germline. Not counted in ClinVar's aggregate classification.

Literature cited by the submitters: PubMed 15877279 (cited by Mayo Clinic Laboratories, Mayo Clinic).